The following is an entry in ClinVar:

ClinVar aggregate classification (germline): Pathogenic. Review status: criteria provided, single submitter (1 of 4 stars). 2 submissions from 2 submitters: Pathogenic (1). 1 of the submissions does not count toward it. Last evaluated 2017-09-11.

Conditions:
Cystic fibrosis (CF). Also called: MUCOVISCIDOSIS. Identifiers: Orphanet 586, MedGen C0010674, MONDO:0009061, OMIM 219700. Disease mechanism: loss of function.

Submissions (2):

Ambry Genetics
Classification: Pathogenic for Cystic fibrosis. Last evaluated: 2017-09-11. Review status: criteria provided, single submitter. Criteria: Ambry Variant Classification Scheme 2023. Collection method: clinical testing. Allele origin: germline.
Comment: The c.1446dupT pathogenic mutation, located in coding exon 11 of the CFTR gene, results from a duplication of T at nucleotide position 1446, causing a translational frameshift with a predicted alternate stop codon (p.K483*). This alteration is expected to result in loss of function by premature protein truncation or nonsense-mediated mRNA decay. As such, this alteration is interpreted as a disease-causing mutation.

ClinVar Staff, National Center for Biotechnology Information (NCBI)
No classification provided. Condition: CFTR-related disorders. Review status: no classification provided. Collection method: literature only. Allele origin: germline. Affected: yes. Not counted in ClinVar's aggregate classification.

Literature cited by the submitters: PubMed 11379874 (cited by ClinVar Staff, National Center for Biotechnology Information (NCBI)).

NM_000492.4(CFTR):c.1446dup (p.Lys483Ter)

Genes: CFTR (CF transmembrane conductance regulator; plus strand), CFTR-AS1 (CFTR antisense RNA 1; minus strand). Cytogenetic location: 7q31.2.
Variant type: Duplication.
Coding change: c.1446dup on transcript NM_000492.4 (MANE Select); coding-DNA position 1446, one base duplicated (T; older notation c.1446dupT).
Protein change: p.Lys483Ter; replaces lysine 483 with a stop codon.
Molecular consequence: nonsense.
Genome position (GRCh38, 1-based): chr7:117,559,517, T duplicated; the last of 2 consecutive T bases (chr7:117,559,516-117,559,517); duplicating either gives the same sequence. VCF-style (leftmost placement, unchanged base first): chr7-117559515-A-AT. GRCh37 (hg19) VCF-style: chr7-117199569-A-AT.
Other names: c.1444_1445insT (NM_000492.3); short protein forms K483*.
Identifiers: ClinVar variation 53256 (VCV000053256.3), dbSNP rs397508209, ClinGen allele CA326488.